The following is an entry in ClinVar:

ClinVar aggregate classification (germline): Uncertain significance. Review status: criteria provided, multiple submitters, no conflicts (2 of 4 stars). 2 submissions from 2 submitters: Uncertain significance (2). Last evaluated 2026-01-11.

Conditions:
Adams-Oliver syndrome 5 (AOS5). Identifiers: Orphanet 974, MedGen C4014970, MONDO:0014459, OMIM 616028.
Aortic valve disease 1 (AOVD1). Identifiers: MedGen C3887892, MONDO:0024523, OMIM 109730.

gnomAD v4.1: 13 of 1,611,946 alleles (0.00081%); highest among the groups gnomAD compares: Middle Eastern, 0.016%; no homozygotes.

Submissions (2):

Labcorp Genetics (formerly Invitae), Labcorp
Classification: Uncertain significance for Adams-Oliver syndrome 5. Last evaluated: 2026-01-11. Review status: criteria provided, single submitter. Criteria: Invitae Variant Classification Sherloc (09022015). Collection method: clinical testing. Allele origin: germline.
Comment: This sequence change replaces arginine, which is basic and polar, with cysteine, which is neutral and slightly polar, at codon 1962 of the NOTCH1 protein (p.Arg1962Cys). This variant is present in population databases (no rsID available, gnomAD 0.0009%). This variant has not been reported in the literature in individuals affected with NOTCH1-related conditions. Invitae Evidence Modeling of protein sequence and biophysical properties (such as structural, functional, and spatial information, amino acid conservation, physicochemical variation, residue mobility, and thermodynamic stability) indicates that this missense variant is expected to disrupt NOTCH1 protein function with a positive predictive value of 80%. In summary, the available evidence is currently insufficient to determine the role of this variant in disease. Therefore, it has been classified as a Variant of Uncertain Significance.

Juno Genomics, Hangzhou Juno Genomics, Inc
Classification: Uncertain significance for Adams-Oliver syndrome 5; Aortic valve disease 1. Review status: criteria provided, single submitter. Criteria: ACMG Guidelines, 2015. Collection method: clinical testing. Allele origin: germline.
Comment: Absent from controls (or at extremely low frequency if recessive) in Genome Aggregation Database.

NM_017617.5(NOTCH1):c.5884C>T (p.Arg1962Cys)

Gene: NOTCH1 (notch receptor 1; minus strand). Cytogenetic location: 9q34.3.
Variant type: single nucleotide variant.
Coding change: c.5884C>T on transcript NM_017617.5 (MANE Select); coding-DNA position 5884, C replaced by T.
Protein change: p.Arg1962Cys; replaces arginine 1962 with cysteine.
Molecular consequence: missense variant.
Genome position (GRCh38, 1-based): chr9:136,500,602, G>A on the plus strand (C>T on the coding strand, the complement: NOTCH1 is on the minus strand). VCF-style: chr9-136500602-G-A. GRCh37 (hg19) VCF-style: chr9-139395054-G-A.
Other names: short protein forms R1962C.
Identifiers: ClinVar variation 4709660 (VCV004709660.3).
Genomic context (GRCh38, chr9:136,500,602, plus strand): 5'-CACTGCCTACCTGGAAGACACCTTGTGCGTCGGCAGACACAGCCGCATGCAGCGGGGTGC[G>A]GCCCATGTTGTCCTGGATGTTGGCATCTGCGCTGGCCTCCAGCAGGCGCTTGGCGGCATC-3'
Protein context (NP_060087.3, residues 1952-1972): ADANIQDNMG[Arg1962Cys]TPLHAAVSAD